The following is an entry in ClinVar:

ClinVar aggregate classification (germline): Conflicting classifications of pathogenicity. Review status: criteria provided, conflicting classifications (1 of 4 stars). 5 submissions from 5 submitters: Uncertain significance (4); Likely benign (1). Last evaluated 2025-12-29.

Conditions:
Fanconi anemia complementation group O. Also called: RAD51C-Related Fanconi Anemia. Identifiers: Orphanet 84, MedGen C3150653, MONDO:0013248, OMIM 613390.
Hereditary cancer-predisposing syndrome. Also called: Hereditary neoplastic syndrome; Neoplastic Syndromes, Hereditary; Tumor predisposition; Hereditary Cancer Syndrome. Identifiers: Orphanet 140162, MedGen C0027672, MeSH D009386, MONDO:0015356.

Allele frequency attached by ClinVar (database versions not stated): TOPMed below 0.00001; gnomAD 0.00001; gnomAD exomes 0.00001 and 0.00002; ExAC 0.00003.
gnomAD v4.1: 13 of 1,614,102 alleles (0.00081%); highest among the groups gnomAD compares: Non-Finnish European, 0.00085%; no homozygotes.

Submissions (5):

Labcorp Genetics (formerly Invitae), Labcorp
Classification: Uncertain significance for Fanconi anemia complementation group O. Last evaluated: 2025-12-29. Review status: criteria provided, single submitter. Criteria: Invitae Variant Classification Sherloc (09022015). Collection method: clinical testing. Allele origin: germline.
Comment: This sequence change replaces serine, which is neutral and polar, with glycine, which is neutral and non-polar, at codon 16 of the RAD51C protein (p.Ser16Gly). This variant is present in population databases (rs762060755, gnomAD 0.003%). This variant has not been reported in the literature in individuals affected with RAD51C-related conditions. ClinVar contains an entry for this variant (Variation ID: 1044672). An algorithm developed to predict the effect of missense changes on protein structure and function outputs the following: PolyPhen-2: "Benign". The glycine amino acid residue is found in multiple mammalian species, which suggests that this missense change does not adversely affect protein function. In summary, the available evidence is currently insufficient to determine the role of this variant in disease. Therefore, it has been classified as a Variant of Uncertain Significance.

Mayo Clinic Laboratories, Mayo Clinic
Classification: Uncertain significance. Last evaluated: 2025-10-27. Review status: criteria provided, single submitter. Criteria: ACMG Guidelines, 2015. Collection method: clinical testing. Allele origin: germline. Observed: 1 variant allele.
Comment: BP4_moderate

Ambry Genetics
Classification: Likely benign for Hereditary cancer-predisposing syndrome. Last evaluated: 2024-12-04. Review status: criteria provided, single submitter. Criteria: Ambry Variant Classification Scheme 2023. Collection method: clinical testing. Allele origin: germline.

Color Diagnostics, LLC DBA Color Health
Classification: Uncertain significance for Hereditary cancer-predisposing syndrome. Last evaluated: 2022-05-09. Review status: criteria provided, single submitter. Criteria: ACMG Guidelines, 2015. Collection method: clinical testing. Allele origin: germline.
Comment: This missense variant replaces serine with glycine at codon 16 of the RAD51C protein. Computational prediction suggests that this variant may not impact protein structure and function (internally defined REVEL score threshold <= 0.5, PMID: 27666373). To our knowledge, functional studies have not been reported for this variant. This variant has not been reported in individuals affected with hereditary cancer in the literature. This variant has been identified in 5/251452 chromosomes in the general population by the Genome Aggregation Database (gnomAD). The available evidence is insufficient to determine the role of this variant in disease conclusively. Therefore, this variant is classified as a Variant of Uncertain Significance.

GeneDx
Classification: Uncertain significance. Last evaluated: 2020-07-28. Review status: criteria provided, single submitter. Criteria: GeneDx Variant Classification Process June 2021. Collection method: clinical testing. Allele origin: germline. Affected: yes.
Comment: Not observed at a significant frequency in large population cohorts (Lek et al., 2016); In silico analysis supports that this missense variant has a deleterious effect on protein structure/function; Has not been previously published as pathogenic or benign to our knowledge

Literature cited by the submitters: PubMed 37253112 (cited by Ambry Genetics).

NM_058216.3(RAD51C):c.46A>G (p.Ser16Gly)

Gene: RAD51C (RAD51 paralog C; plus strand). Cytogenetic location: 17q22.
Variant type: single nucleotide variant.
Coding change: c.46A>G on transcript NM_058216.3 (MANE Select); coding-DNA position 46, A replaced by G.
Protein change: p.Ser16Gly; replaces serine 16 with glycine.
Molecular consequence: missense variant. On other transcripts: non-coding transcript variant (1).
Genome position (GRCh38, 1-based): chr17:58,692,689, A>G. VCF-style: chr17-58692689-A-G. GRCh37 (hg19) VCF-style: chr17-56770050-A-G.
Other names: p.Ser16Gly; c.46A>G, p.Ser16Gly (NM_002876.4); short protein forms S16G.
Identifiers: ClinVar variation 1044672 (VCV001044672.17), dbSNP rs762060755, ClinGen allele CA8677129.